The following is an entry in ClinVar:

ClinVar aggregate classification (germline): Likely pathogenic. Review status: criteria provided, multiple submitters, no conflicts (2 of 4 stars). 3 submissions from 3 submitters: Likely pathogenic (3). Last evaluated 2019-04-15.

Conditions:
Developmental and epileptic encephalopathy, 27 (DEE27). Also called: GRIN2B-Related Neurodevelopmental Disorder; Epileptic encephalopathy, early infantile, 27. Identifiers: Orphanet 3451, MedGen C4015316, MONDO:0014505, OMIM 616139.
Intellectual developmental disorder, autosomal dominant 6, with or without seizures. Also called: GRIN2B-related developmental delay, intellectual disability and autism spectrum disorder; Intellectual disability, autosomal dominant 6. Identifiers: Orphanet 589547, MedGen C3151411, MONDO:0013509, OMIM 613970.

Submissions (3):

Laboratory of Molecular Genetics (Pr. Bezieau's lab), CHU de Nantes
Classification: Likely pathogenic. Last evaluated: 2019-04-15. Review status: criteria provided, single submitter. Criteria: ACMG Guidelines, 2015. Collection method: clinical testing. Allele origin: germline. Affected: yes.

CENTOGENE GmbH and LLC - Guiding Precision Medicine
Classification: Likely pathogenic for Developmental and epileptic encephalopathy, 27. Last evaluated: 2018-09-19. Review status: criteria provided, single submitter. Criteria: ACMG Guidelines, 2015. Collection method: clinical testing. Allele origin: de novo. Affected: yes.

Institute of Human Genetics, University of Leipzig Medical Center
Classification: Likely pathogenic for Intellectual developmental disorder, autosomal dominant 6, with or without seizures. Last evaluated: 2017-04-04. Review status: criteria provided, single submitter. Criteria: ACMG Guidelines, 2015. Collection method: clinical testing. Allele origin: de novo. Affected: yes.
Comment: This variant was identified as de novo (maternity and paternity confirmed).

Literature cited by the submitters: PubMed 28377535 (cited by Institute of Human Genetics, University of Leipzig Medical Center).

NM_000834.5(GRIN2B):c.1495G>A (p.Gly499Arg)

Gene: GRIN2B (glutamate ionotropic receptor NMDA type subunit 2B; minus strand). Cytogenetic location: 12p13.1.
Variant type: single nucleotide variant.
Coding change: c.1495G>A on transcript NM_000834.5 (MANE Select); coding-DNA position 1495, G replaced by A.
Protein change: p.Gly499Arg; replaces glycine 499 with arginine.
Molecular consequence: missense variant.
Genome position (GRCh38, 1-based): chr12:13,615,498, C>T on the plus strand (G>A on the coding strand, the complement: GRIN2B is on the minus strand). VCF-style: chr12-13615498-C-T. GRCh37 (hg19) VCF-style: chr12-13768432-C-T.
Other names: short protein forms G499R.
Identifiers: ClinVar variation 916069 (VCV000916069.3), dbSNP rs867553974, ClinGen allele CA384052036.